The following is an entry in ClinVar:

NM_003611.3(OFD1):c.1045G>T (p.Glu349Ter)

Gene: OFD1 (OFD1 centriole and centriolar satellite protein; plus strand). Cytogenetic location: Xp22.2.
Variant type: single nucleotide variant.
Coding change: c.1045G>T on transcript NM_003611.3 (MANE Select); coding-DNA position 1045, G replaced by T.
Protein change: p.Glu349Ter; replaces glutamic acid 349 with a stop codon.
Molecular consequence: nonsense. On other transcripts: intron variant (2).
Genome position (GRCh38, 1-based): chrX:13,751,358, G>T. VCF-style: chrX-13751358-G-T. GRCh37 (hg19) VCF-style: chrX-13769477-G-T.
Other names: c.625G>T, p.Glu209Ter (NM_001330210.2); c.1045G>T, p.Glu349Ter (NM_001440947.1); c.935+1825G>T (NM_001330209.2, NM_001440948.1); short protein forms E209*, E349*.
Identifiers: ClinVar variation 4813113 (VCV004813113.1).

ClinVar aggregate classification (germline): Pathogenic (1 of 4 stars; one submission).

Conditions:
Orofaciodigital syndrome I (OFD1). Also called: OFDS I; Papillon-Leage and Psaume Syndrome; Oral-Facial-Digital Syndrome Type I. Identifiers: Orphanet 2750, MedGen C1510460, MONDO:0010702, OMIM 311200.

Submission:

Reproductive Medicine Center, Wenzhou People's Hospital
Classification: Pathogenic for Orofaciodigital syndrome I. Last evaluated: 2026-02-25. Review status: criteria provided, single submitter. Criteria: ACMG Guidelines, 2015. Collection method: clinical testing. Allele origin: germline. Inheritance: X-linked inheritance. Affected: yes. Observed: 1 variant allele, 1 homozygote.
Comment: The Glu349Ter variant in OFD1 results in a premature termination codon at position 349 of the protein, leading to truncation of the C-terminal region. Notably, OFD1 is associated with male lethality, consistent with the critical functional domain being disrupted. The truncated protein is expected to undergo nonsense-mediated decay or produce a nonfunctional protein lacking essential domains. In summary, the Glu349Ter variant meets our criteria to be classified as pathogenic.

Literature cited by the submitters: DOI 10.1002/mgg3.911.